The following is an entry in ClinVar:

NM_000392.5(ABCC2):c.4190C>T (p.Pro1397Leu)

Gene: ABCC2 (ATP binding cassette subfamily C member 2; plus strand). Cytogenetic location: 10q24.2.
Variant type: single nucleotide variant.
Coding change: c.4190C>T on transcript NM_000392.5 (MANE Select); coding-DNA position 4190, C replaced by T.
Protein change: p.Pro1397Leu; replaces proline 1397 with leucine.
Molecular consequence: missense variant.
Genome position (GRCh38, 1-based): chr10:99,847,004, C>T. VCF-style: chr10-99847004-C-T. GRCh37 (hg19) VCF-style: chr10-101606761-C-T.
Other names: short protein forms P1397L.
Identifiers: ClinVar variation 4748467 (VCV004748467.1).

ClinVar aggregate classification (germline): Uncertain significance (1 of 4 stars; one submission).

gnomAD v4.1: 76 of 1,614,094 alleles (0.0047%); highest among the groups gnomAD compares: Middle Eastern, 0.016%; no homozygotes.

Submission:

Labcorp Genetics (formerly Invitae), Labcorp
Classification: Uncertain significance. Last evaluated: 2025-08-29. Review status: criteria provided, single submitter. Criteria: Invitae Variant Classification Sherloc (09022015). Collection method: clinical testing. Allele origin: germline.
Comment: This sequence change replaces proline, which is neutral and non-polar, with leucine, which is neutral and non-polar, at codon 1397 of the ABCC2 protein (p.Pro1397Leu). This variant is present in population databases (rs146587077, gnomAD 0.01%). This variant has not been reported in the literature in individuals affected with ABCC2-related conditions. An algorithm developed to predict the effect of missense changes on protein structure and function (PolyPhen-2) suggests that this variant is likely to be disruptive. In summary, the available evidence is currently insufficient to determine the role of this variant in disease. Therefore, it has been classified as a Variant of Uncertain Significance.